The following is an entry in ClinVar:

ClinVar aggregate classification (germline): Uncertain significance (1 of 4 stars; one submission).

Conditions:
Hereditary cancer-predisposing syndrome. Also called: Neoplastic Syndromes, Hereditary; Tumor predisposition; Hereditary neoplastic syndrome; Hereditary Cancer Syndrome. Identifiers: Orphanet 140162, MedGen C0027672, MeSH D009386, MONDO:0015356.

Submission:

Ambry Genetics
Classification: Uncertain significance for Hereditary cancer-predisposing syndrome. Last evaluated: 2026-06-24. Review status: criteria provided, single submitter. Criteria: Ambry Variant Classification Scheme 2023. Collection method: clinical testing. Allele origin: germline.
Comment: The p.I432K variant (also known as c.1295T>A), located in coding exon 9 of the RAD50 gene, results from a T to A substitution at nucleotide position 1295. The isoleucine at codon 432 is replaced by lysine, an amino acid with dissimilar properties. This amino acid position is conserved. In addition, this alteration is predicted to be tolerated by in silico analysis. Based on the available evidence, the clinical significance of this variant remains unclear.

NM_005732.4(RAD50):c.1295T>A (p.Ile432Lys)

Gene: RAD50 (RAD50 double strand break repair protein; plus strand). Cytogenetic location: 5q31.1.
Variant type: single nucleotide variant.
Coding change: c.1295T>A on transcript NM_005732.4 (MANE Select); coding-DNA position 1295, T replaced by A.
Protein change: p.Ile432Lys; replaces isoleucine 432 with lysine.
Molecular consequence: missense variant.
Genome position (GRCh38, 1-based): chr5:132,589,680, T>A. VCF-style: chr5-132589680-T-A. GRCh37 (hg19) VCF-style: chr5-131925372-T-A.
Other names: short protein forms I432K.
Identifiers: ClinVar variation 5027705 (VCV005027705.1).